The following is an entry in ClinVar:

NM_175875.5(SIX5):c.1787C>G (p.Pro596Arg)

Gene: SIX5 (SIX homeobox 5; minus strand). Cytogenetic location: 19q13.32.
Variant type: single nucleotide variant.
Coding change: c.1787C>G on transcript NM_175875.5 (MANE Select); coding-DNA position 1787, C replaced by G.
Protein change: p.Pro596Arg; replaces proline 596 with arginine.
Molecular consequence: missense variant.
Genome position (GRCh38, 1-based): chr19:45,765,934, G>C on the plus strand (C>G on the coding strand, the complement: SIX5 is on the minus strand). VCF-style: chr19-45765934-G-C. GRCh37 (hg19) VCF-style: chr19-46269192-G-C.
Other names: short protein forms P596R.
Identifiers: ClinVar variation 3700603 (VCV003700603.2).

ClinVar aggregate classification (germline): Uncertain significance (1 of 4 stars; one submission).

gnomAD v4.1: 13 of 1,593,234 alleles (0.00082%); highest among the groups gnomAD compares: Non-Finnish European, 0.001%; no homozygotes.

Submission:

Labcorp Genetics (formerly Invitae), Labcorp
Classification: Uncertain significance. Last evaluated: 2024-02-17. Review status: criteria provided, single submitter. Criteria: Invitae Variant Classification Sherloc (09022015). Collection method: clinical testing. Allele origin: germline.
Comment: This sequence change replaces proline, which is neutral and non-polar, with arginine, which is basic and polar, at codon 596 of the SIX5 protein (p.Pro596Arg). This variant is present in population databases (no rsID available, gnomAD 0.001%). This variant has not been reported in the literature in individuals affected with SIX5-related conditions. Advanced modeling of protein sequence and biophysical properties (such as structural, functional, and spatial information, amino acid conservation, physicochemical variation, residue mobility, and thermodynamic stability) performed at Invitae indicates that this missense variant is not expected to disrupt SIX5 protein function with a negative predictive value of 80%. Algorithms developed to predict the effect of sequence changes on RNA splicing suggest that this variant may create or strengthen a splice site. In summary, the available evidence is currently insufficient to determine the role of this variant in disease. Therefore, it has been classified as a Variant of Uncertain Significance.